The following is an entry in ClinVar:

NM_000219.6(KCNE1):c.191G>C (p.Ser64Thr)

Gene: KCNE1 (potassium voltage-gated channel subfamily E regulatory subunit 1; minus strand). Cytogenetic location: 21q22.12.
Variant type: single nucleotide variant.
Coding change: c.191G>C on transcript NM_000219.6 (MANE Select); coding-DNA position 191, G replaced by C.
Protein change: p.Ser64Thr; replaces serine 64 with threonine.
Molecular consequence: missense variant.
Genome position (GRCh38, 1-based): chr21:34,449,444, C>G on the plus strand (G>C on the coding strand, the complement: KCNE1 is on the minus strand). VCF-style: chr21-34449444-C-G. GRCh37 (hg19) VCF-style: chr21-35821742-C-G.
Other names: c.191G>C, p.Ser64Thr (NM_001127668.4, NM_001127669.4, NM_001127670.4 and 4 more transcripts); short protein forms S64T.
Identifiers: ClinVar variation 3374290 (VCV003374290.2).

Conditions:
Long QT syndrome 5 (LQT5). Identifiers: Orphanet 101016, Orphanet 768, MedGen C1867904, MONDO:0013372, OMIM 613695.

Submission:

Roden Lab, Vanderbilt University Medical Center
No classification provided (evidence only). Condition: Long QT syndrome 5. Review status: no classification provided. Collection method: in vitro. Allele origin: not applicable. Functional consequence: Effect on ion channel function.
ClinVar note: "not provided" was previously submitted as the classification for the variant. However, the classification appeared to be based only on an observation of functional data so it was converted to no classification on 2025-07-30.